The following is an entry in ClinVar:

ClinVar aggregate classification (germline): Likely benign. Review status: criteria provided, multiple submitters, no conflicts (2 of 4 stars). 3 submissions from 3 submitters: Likely benign (3). Last evaluated 2024-06-19.

Conditions:
Peutz-Jeghers syndrome (PJS). Also called: POLYPOSIS, HAMARTOMATOUS INTESTINAL; POLYPS-AND-SPOTS SYNDROME; Peutz-Jeghers polyposis; Periorificial lentiginosis syndrome. Identifiers: Orphanet 2869, MedGen C0031269, MeSH D010580, MONDO:0008280, OMIM 175200.
Hereditary cancer-predisposing syndrome. Also called: Neoplastic Syndromes, Hereditary; Tumor predisposition; Hereditary Cancer Syndrome; Hereditary neoplastic syndrome. Identifiers: Orphanet 140162, MedGen C0027672, MeSH D009386, MONDO:0015356.

Submissions (3):

Labcorp Genetics (formerly Invitae), Labcorp
Classification: Likely benign for Peutz-Jeghers syndrome. Last evaluated: 2024-06-19. Review status: criteria provided, single submitter. Criteria: Invitae Variant Classification Sherloc (09022015). Collection method: clinical testing. Allele origin: germline.

All of Us Research Program, National Institutes of Health
Classification: Likely benign for Peutz-Jeghers syndrome. Last evaluated: 2024-02-05. Review status: criteria provided, single submitter. Criteria: ACMG Guidelines, 2015. Collection method: clinical testing. Allele origin: germline. Inheritance: Autosomal dominant inheritance. Observed: 1 variant allele, 1 heterozygote.
Comment: This study involves interpretation of variants in research participants for the purpose of population health screening. Participant phenotype was not available at the time of variant classification. Additional details can be found in publication PMID: 35346344, PMCID: PMC8962531

Ambry Genetics
Classification: Likely benign for Hereditary cancer-predisposing syndrome. Last evaluated: 2020-06-11. Review status: criteria provided, single submitter. Criteria: Ambry Variant Classification Scheme 2023. Collection method: clinical testing. Allele origin: germline.

NM_000455.5(STK11):c.1188G>A (p.Glu396=)

Gene: STK11 (serine/threonine kinase 11; plus strand). Cytogenetic location: 19p13.3.
Variant type: single nucleotide variant.
Coding change: c.1188G>A on transcript NM_000455.5 (MANE Select); coding-DNA position 1188, G replaced by A.
Protein change: p.Glu396=; no amino-acid change (glutamic acid 396 retained).
Molecular consequence: synonymous variant. On other transcripts: non-coding transcript variant (1).
Genome position (GRCh38, 1-based): chr19:1,226,533, G>A. VCF-style: chr19-1226533-G-A. GRCh37 (hg19) VCF-style: chr19-1226532-G-A.
Identifiers: ClinVar variation 1744090 (VCV001744090.6), dbSNP rs1599932241, ClinGen allele CA504708517.